The following is an entry in ClinVar:

NM_001042492.3(NF1):c.5309C>T (p.Thr1770Ile)

Gene: NF1 (neurofibromin 1; plus strand). Cytogenetic location: 17q11.2.
Variant type: single nucleotide variant.
Coding change: c.5309C>T on transcript NM_001042492.3 (MANE Select); coding-DNA position 5309, C replaced by T.
Protein change: p.Thr1770Ile; replaces threonine 1770 with isoleucine.
Molecular consequence: missense variant.
Genome position (GRCh38, 1-based): chr17:31,327,539, C>T. VCF-style: chr17-31327539-C-T. GRCh37 (hg19) VCF-style: chr17-29654557-C-T.
Other names: c.5246C>T, p.Thr1749Ile (NM_000267.4); short protein forms T1749I, T1770I.
Identifiers: ClinVar variation 3237824 (VCV003237824.3), dbSNP rs2508705536.

ClinVar aggregate classification (germline): Uncertain significance. Review status: criteria provided, multiple submitters, no conflicts (2 of 4 stars). 2 submissions from 2 submitters: Uncertain significance (2). Last evaluated 2025-09-07.

Conditions:
Hereditary cancer-predisposing syndrome. Also called: Hereditary Cancer Syndrome; Tumor predisposition; Neoplastic Syndromes, Hereditary; Hereditary neoplastic syndrome. Identifiers: Orphanet 140162, MedGen C0027672, MeSH D009386, MONDO:0015356.
Cardiovascular phenotype. Identifiers: MedGen CN230736.
Neurofibromatosis, type 1 (NF1). Also called: VON RECKLINGHAUSEN DISEASE; Neurofibromatosis, type I; NEUROFIBROMATOSIS, TYPE I, SOMATIC; Peripheral type neurofibromatosis. Identifiers: Orphanet 636, MedGen C0027831, MONDO:0018975, OMIM 162200. Disease mechanism: loss of function.

Submissions (2):

Labcorp Genetics (formerly Invitae), Labcorp
Classification: Uncertain significance for Neurofibromatosis, type 1. Last evaluated: 2025-09-07. Review status: criteria provided, single submitter. Criteria: Invitae Variant Classification Sherloc (09022015). Collection method: clinical testing. Allele origin: germline.
Comment: This sequence change replaces threonine, which is neutral and polar, with isoleucine, which is neutral and non-polar, at codon 1749 of the NF1 protein (p.Thr1749Ile). This variant is not present in population databases (gnomAD no frequency). This variant has not been reported in the literature in individuals affected with NF1-related conditions. ClinVar contains an entry for this variant (Variation ID: 3237824). Invitae Evidence Modeling of protein sequence and biophysical properties (such as structural, functional, and spatial information, amino acid conservation, physicochemical variation, residue mobility, and thermodynamic stability) indicates that this missense variant is expected to disrupt NF1 protein function with a positive predictive value of 95%. In summary, the available evidence is currently insufficient to determine the role of this variant in disease. Therefore, it has been classified as a Variant of Uncertain Significance.

Ambry Genetics
Classification: Uncertain significance for Cardiovascular phenotype; Hereditary cancer-predisposing syndrome. Last evaluated: 2025-04-14. Review status: criteria provided, single submitter. Criteria: Ambry Variant Classification Scheme 2023. Collection method: clinical testing. Allele origin: germline.
Comment: The p.T1749I variant (also known as c.5246C>T), located in coding exon 37 of the NF1 gene, results from a C to T substitution at nucleotide position 5246. The threonine at codon 1749 is replaced by isoleucine, an amino acid with similar properties. This amino acid position is highly conserved in available vertebrate species. In addition, this alteration is predicted to be deleterious by in silico analysis. Based on the available evidence, the clinical significance of this variant remains unclear.